The following is an entry in ClinVar:

ClinVar aggregate classification (germline): Conflicting classifications of pathogenicity. Review status: criteria provided, conflicting classifications (1 of 4 stars). 9 submissions from 9 submitters: Uncertain significance (5); Likely benign (3). 1 of the submissions does not count toward it. Last evaluated 2026-08-26.

Conditions:
MYH6-related disorder. Also called: MYH6-related condition; MYH6-Related Disorders.
Cardiovascular phenotype. Identifiers: MedGen CN230736.
Conduction disorder of the heart. Also called: Cardiac conduction defect. Identifiers: Orphanet 871, MedGen C0264886, MONDO:0100042, OMIM 115080.
Cardiomyopathy (CMYO). Also called: Cardiomyopathies. Identifiers: Orphanet 167848, MedGen C0878544, MONDO:0004994, HP:0001638. Inheritance: Various modes of inheritance.
Primary dilated cardiomyopathy (DCM). Also called: Dilated Cardiomyopathy. Identifiers: Orphanet 217604, MedGen C0007193, MeSH D002311, MONDO:0005021, HP:0001644. Inheritance: Various modes of inheritance.
Hypertrophic cardiomyopathy 14. Identifiers: MedGen C2750467, MONDO:0013197, OMIM 613251.

Submissions (9):

PreventionGenetics, part of Exact Sciences
Classification: Uncertain significance for MYH6-related condition. Last evaluated: 2026-08-26. Review status: criteria provided, single submitter. Criteria: ACMG Guidelines, 2015. Collection method: clinical testing. Allele origin: germline.
Comment: The MYH6 c.5476_5477delinsAA variant is predicted to result in an in-frame deletion and insertion. This variant has been reported in unrelated individuals with dilated or hypertrophic cardiomyopathy (Carniel et al. 2005. PubMed ID: 15998695; described as p.Gly1826Ser and p.Gly1826Asp as a complex genotype in Table S4, Lopes et al. 2013. PubMed ID: 23396983; described as p.Asp1826Asn, Hershberger et al. 2010. PubMed ID: 20215591; Kim et al. 2020. PubMed ID: 32492895; Cowan et al. 2020. PubMed ID: 32603605). This variant, along with a second MYH6 variant, was also detected in an individual with hypertrophic cardiomyopathy (Cecconi et al. 2016. PubMed ID: 27600940). In gnomAD, the c.5476_5477delinsAA variant appears as two separate allele calls (c.5476G>A and c.5477G>A), and the two variants are documented to occur in cis (on the same allele) in over fifty heterozygous individuals. At this time the clinical significance of this variant is uncertain due to the absence of conclusive functional and genetic evidence.

Women's Health and Genetics/Laboratory Corporation of America, LabCorp
Classification: Uncertain significance. Last evaluated: 2026-02-17. Review status: criteria provided, single submitter. Criteria: LabCorp Variant Classification Summary - May 2015. Collection method: clinical testing. Allele origin: germline.
Comment: Variant summary: MYH6 c.5476_5477delinsAA (p.Gly1826Asn) results in a non-conservative amino acid change in the encoded protein sequence. Algorithms developed to predict the effect of missense changes on protein structure and function are either unavailable or do not agree on the potential impact of this missense change. The variant allele was found at a frequency of 0.00018 in 282684 control chromosomes. The observed variant frequency exceeds the estimated maximal expected allele frequency for disease-causing variants in MYH6. c.5476_5477delinsAA has been observed in individuals affected with HCM, DCM and other cardiomyopathies. In one case the variant appeared to segregate in two siblings (Hershberger_2010), however in other cases the variant was found along wtih other pathogenic variants, indicating the variant to not be the disease causing variant in these patients/families (Kim_2020, Cecconi_2016), and in other cases no strong evidence for causality was provided (Cowan_2021, Carniel_2005). To our knowledge, no experimental evidence demonstrating an impact on protein function has been reported. The following publications have been ascertained in the context of this evaluation (PMID: 20215591, 32603605, 32492895, 27600940, 15998695). ClinVar contains an entry for this variant (Variation ID: 239179). Based on the evidence outlined above, the variant was classified as VUS-possibly benign.

Labcorp Genetics (formerly Invitae), Labcorp
Classification: Uncertain significance for Hypertrophic cardiomyopathy 14. Last evaluated: 2026-02-01. Review status: criteria provided, single submitter. Criteria: Invitae Variant Classification Sherloc (09022015). Collection method: clinical testing. Allele origin: germline.
Comment: This sequence change replaces glycine, which is neutral and non-polar, with asparagine, which is neutral and polar, at codon 1826 of the MYH6 protein (p.Gly1826Asn). The frequency data for this variant in the population databases is considered unreliable, as metrics indicate poor data quality at this position in the gnomAD database. This missense change has been observed in individual(s) with MYH6-related conditions (PMID: 15998695, 27600940). ClinVar contains an entry for this variant (Variation ID: 239179). An algorithm developed to predict the effect of missense changes on protein structure and function outputs the following: PolyPhen-2: "Benign". The asparagine amino acid residue is found in multiple mammalian species, which suggests that this missense change does not adversely affect protein function. In summary, the available evidence is currently insufficient to determine the role of this variant in disease. Therefore, it has been classified as a Variant of Uncertain Significance.

GeneDx
Classification: Uncertain significance. Last evaluated: 2025-10-01. Review status: criteria provided, single submitter. Criteria: GeneDx Variant Classification Process June 2021. Collection method: clinical testing. Allele origin: germline. Affected: yes.
Comment: Reported in association with cardiomyopathy in published literature, although some patients harbor additional cardiogenetic variants (also described as c.25743_25744delGGinsAA due to alternative nomenclature) (PMID: 20215591, 27600940, 32603605); Identified in a patient with non-syndromic congenital heart disease (CHD) (PMID: 29332214); In silico analysis suggests that this variant does not alter protein structure/function; This variant is associated with the following publications: (PMID: 27600940, 15998695, 22337857, 23396983, 32492895, 32603605, 29332214, 20215591)

Victorian Clinical Genetics Services, Murdoch Childrens Research Institute
Classification: Likely benign for Hypertrophic cardiomyopathy 14. Last evaluated: 2022-02-02. Review status: criteria provided, single submitter. Criteria: ACMG Guidelines, 2015. Collection method: clinical testing. Allele origin: germline. Inheritance: Autosomal dominant inheritance.
Comment: Based on the classification scheme VCGS_Germline_v1.1.1, this variant is classified as likely benign. Following criteria are met: 0105 - The mechanism of disease for this gene is not clearly established. (N) 0107 - This gene is known to be associated with autosomal dominant disease. (N) 0200 - This deletion insertion variant is predicted to result in a missense amino acid change from a glycine to an asparagine (exon 36). (N) 0251 - Variant is heterozygous. (N) 0303 - Variant is present in gnomAD (v3) >=0.01 enriched in the Amish sub-population for a dominant condition (54 heterozygotes, 0 homozygotes). (B) 0309 - Alternative amino acid changes at the same position have been observed in gnomAD (v3) (2 heterozygotes, 0 homozygotes). (N) 0504 - Same amino acid change has been observed in mammals. (B) 0600 - Variant is located in an annotated domain or motif (myosin tail domain; NCBI, PDB). (N) 0708 - Comparable variants have conflicting previous evidence for pathogenicity. Alternative changes at the same residue, to aspartic acid and serine, have previously been reported as pathogenic, VUS and likely benign in patients with cardiomyopathies and atrial septal defect; however it is unclear whether these previous reports represent single discrete variants, or a combination of two nucleotide changes in cis, resulting in the same change to asparagine (ClinVar, LOVD, PMID: 23396983, PMID: 29332214). (N) 0808 - Previous reports of pathogenicity are conflicting. The variant has previously been reported as pathogenic, a VUS, likely benign and as a rare SNP in cardiomyopathy patients (ClinVar, HGMD, LOVD, PMID: 15998695, PMID: 27600940). (N) 1007 - No published functional evidence has been identified for this variant. (N) 1208 - Inheritance information for this variant is not currently available. (N) Legend: (P) - Pathogenic, (N) - Neutral, (B) - Benign

Ambry Genetics
Classification: Likely benign for Cardiovascular phenotype. Last evaluated: 2019-11-08. Review status: criteria provided, single submitter. Criteria: Ambry Variant Classification Scheme 2023. Collection method: clinical testing. Allele origin: germline.

CHEO Genetics Diagnostic Laboratory, Children's Hospital of Eastern Ontario
Classification: Likely benign for Cardiomyopathy. Last evaluated: 2019-07-23. Review status: criteria provided, single submitter. Criteria: ACMG Guidelines, 2015. Collection method: clinical testing. Allele origin: germline. Study: Canadian Open Genetics Repository.

Molecular Diagnostic Laboratory for Inherited Cardiovascular Disease, Montreal Heart Institute
Classification: Uncertain significance for Conduction disorder of the heart. Review status: criteria provided, single submitter. Criteria: ACMG Guidelines, 2015. Collection method: clinical testing. Allele origin: germline. Affected: yes.

University of Washington Center for Mendelian Genomics, University of Washington
Classification: Uncertain significance for dilated cardiomyopathy. Review status: no assertion criteria provided. Collection method: research. Allele origin: unknown. Affected: yes. Not counted in ClinVar's aggregate classification.

Literature cited by the submitters: PubMed 15998695 (cited by 4 submitters); PubMed 20215591 (cited by Women's Health and Genetics/Laboratory Corporation of America, LabCorp); PubMed 27600940 (cited by 4 submitters); PubMed 32492895 (cited by Women's Health and Genetics/Laboratory Corporation of America, LabCorp); PubMed 32603605 (cited by Women's Health and Genetics/Laboratory Corporation of America, LabCorp and University of Washington Center for Mendelian Genomics, University of Washington); PubMed 23396983 (cited by Victorian Clinical Genetics Services, Murdoch Childrens Research Institute); PubMed 29332214 (cited by Victorian Clinical Genetics Services, Murdoch Childrens Research Institute); PubMed 22337857 (cited by Ambry Genetics).

NM_002471.4(MYH6):c.5476_5477delinsAA (p.Gly1826Asn)

Gene: MYH6 (myosin heavy chain 6; minus strand). Cytogenetic location: 14q11.2.
Variant type: Indel.
Coding change: c.5476_5477delinsAA on transcript NM_002471.4 (MANE Select); coding-DNA positions 5476 to 5477, GG replaced by AA.
Protein change: p.Gly1826Asn; replaces glycine 1826 with asparagine.
Molecular consequence: missense variant.
Genome position (GRCh38, 1-based): chr14:23,384,530-23,384,531, CC replaced by TT on the plus strand (GG replaced by AA on the coding strand, the reverse complement: MYH6 is on the minus strand). VCF-style: chr14-23384530-CC-TT. GRCh37 (hg19) VCF-style: chr14-23853739-CC-TT.
Other names: c.5476_5477delGGinsAA (NM_002471.3); short protein forms G1826N.
Identifiers: ClinVar variation 239179 (VCV000239179.30), dbSNP rs878854502, ClinGen allele CA10583164.